The following is an entry in ClinVar:

NM_001128840.3(CACNA1D):c.3701A>G (p.Asn1234Ser)

Gene: CACNA1D (calcium voltage-gated channel subunit alpha1 D; plus strand). Cytogenetic location: 3p21.1.
Variant type: single nucleotide variant.
Coding change: c.3701A>G on transcript NM_001128840.3 (MANE Select); coding-DNA position 3701, A replaced by G.
Protein change: p.Asn1234Ser; replaces asparagine 1234 with serine.
Molecular consequence: missense variant.
Genome position (GRCh38, 1-based): chr3:53,753,597, A>G. VCF-style: chr3-53753597-A-G. GRCh37 (hg19) VCF-style: chr3-53787624-A-G.
Other names: c.3761A>G, p.Asn1254Ser (NM_000720.4); c.3701A>G, p.Asn1234Ser (NM_001128839.3); short protein forms N1254S, N1234S.
Identifiers: ClinVar variation 504807 (VCV000504807.56), dbSNP rs147146258, ClinGen allele CA2454654.

ClinVar aggregate classification (germline): Conflicting classifications of pathogenicity. Review status: criteria provided, conflicting classifications (1 of 4 stars). 12 submissions from 12 submitters: Uncertain significance (5); Likely benign (5). 2 of the submissions do not count toward it. Last evaluated 2026-05-20.

Conditions:
Intellectual disability. Also called: intellectual disabilities; Intellectual developmental disorder; Intellectual functioning disability. Identifiers: MedGen C3714756, MeSH D008607, MONDO:0001071, HP:0001249.
Inborn genetic diseases. Identifiers: MedGen C0950123, MeSH D030342.
Congenital anomaly of kidney and urinary tract. Also called: Congenital anomalies of the kidney and urinary tract; Congenital anomalies of kidney and urinary tract. Identifiers: Orphanet 93545, MedGen C1968949, MeSH C566906, MONDO:0019719.

Allele frequency attached by ClinVar (database versions not stated): 1000 Genomes Project 30x 0.00031; ESP Exome Variant Server 0.00038; 1000 Genomes Project 0.00040; TOPMed 0.00045; ExAC 0.00051.
gnomAD v4.1: 1,287 of 1,611,702 alleles (0.08%); highest among the groups gnomAD compares: Non-Finnish European, 0.089%; 3 homozygotes.

Submissions (12):

Women's Health and Genetics/Laboratory Corporation of America, LabCorp
Classification: Uncertain significance. Last evaluated: 2026-05-20. Review status: criteria provided, single submitter. Criteria: LabCorp Variant Classification Summary - May 2015. Collection method: clinical testing. Allele origin: germline.
Comment: Variant summary: CACNA1D c.3761A>G (p.Asn1254Ser) results in a conservative amino acid change in the encoded protein sequence. Algorithms developed to predict the effect of missense changes on protein structure and function are either unavailable or do not agree on the potential impact of this missense change. The variant allele was found at a frequency of 0.00054 in 251494 control chromosomes in the gnomAD database, including 1 homozygotes. This frequency is not significantly higher than estimated for disease-causing variants in CACNA1D, allowing no conclusion about variant significance. To our knowledge, no occurrence of c.3761A>G in individuals affected with CACNA1D-related conditions and no experimental evidence demonstrating its impact on protein function have been reported. ClinVar contains an entry for this variant (Variation ID: 504807). Based on the evidence outlined above, the variant was classified as uncertain significance.

Labcorp Genetics (formerly Invitae), Labcorp
Classification: Likely benign. Last evaluated: 2026-01-27. Review status: criteria provided, single submitter. Criteria: Invitae Variant Classification Sherloc (09022015). Collection method: clinical testing. Allele origin: germline.

ARUP Laboratories, Molecular Genetics and Genomics, ARUP Laboratories
Classification: Uncertain significance. Last evaluated: 2025-03-26. Review status: criteria provided, single submitter. Criteria: ARUP Molecular Germline Variant Investigation Process 2024. Collection method: clinical testing. Allele origin: germline.

Mayo Clinic Laboratories, Mayo Clinic
Classification: Likely benign. Last evaluated: 2025-01-08. Review status: criteria provided, single submitter. Criteria: ACMG Guidelines, 2015. Collection method: clinical testing. Allele origin: germline. Observed: 2 variant alleles.
Comment: BS1, BS2_supporting, PP2

Blueprint Genetics
Classification: Likely benign. Last evaluated: 2024-11-25. Review status: criteria provided, single submitter. Criteria: ACMG Guidelines, 2015. Collection method: clinical testing. Allele origin: germline.

CeGaT Center for Human Genetics Tuebingen
Classification: Uncertain significance. Last evaluated: 2023-07-01. Review status: criteria provided, single submitter. Criteria: CeGaT Center For Human Genetics Tuebingen Variant Classification Criteria Version 2. Collection method: clinical testing. Allele origin: germline. Affected: yes. Observed: 2 variant alleles.

Ambry Genetics
Classification: Uncertain significance for Inborn genetic diseases. Last evaluated: 2022-09-19. Review status: criteria provided, single submitter. Criteria: Ambry Variant Classification Scheme 2023. Collection method: clinical testing. Allele origin: germline.

GeneDx
Classification: Likely benign. Last evaluated: 2022-06-01. Review status: criteria provided, single submitter. Criteria: GeneDx Variant Classification Process June 2021. Collection method: clinical testing. Allele origin: germline. Affected: yes.
Comment: See Variant Classification Assertion Criteria.

Cambridge Genomics Laboratory, East Genomic Laboratory Hub, NHS Genomic Medicine Service
Classification: Likely benign for Congenital anomaly of kidney and urinary tract. Last evaluated: 2020-04-29. Review status: criteria provided, single submitter. Criteria: ACGS Best Practice Guidelines for Variant Classification in Rare Disease 2020. Collection method: clinical testing. Allele origin: germline. Affected: yes. Observed: 1 variant allele.

Laboratory for Molecular Medicine, Mass General Brigham Personalized Medicine
Classification: Uncertain significance. Last evaluated: 2016-08-24. Review status: criteria provided, single submitter. Criteria: LMM Criteria. Collection method: clinical testing. Allele origin: germline. Observed: 1 variant allele.
Comment: The p.Asn1254Ser variant in CACNA1D has not been previously reported in individu als with hearing loss, but has been identified in several populations by the Exo me Aggregation Consortium including 0.1% (39/66732) of European chromosomes (ExA C; dbSNP rs147146258). Although this variant has been seen in the general population, its frequency is not high enough to rule o ut a pathogenic role. Computational prediction tools and conservation analyses d o not provide strong support for or against an impact to the protein. In summary , the clinical significance of the p.Asn1254Ser variant is uncertain.

Genetic Services Laboratory, University of Chicago
Classification: Uncertain significance. Last evaluated: 2022-12-05. Review status: no assertion criteria provided. Collection method: clinical testing. Allele origin: germline. Affected: no. Not counted in ClinVar's aggregate classification.
Comment: DNA sequence analysis of the CACNA1D gene demonstrated a sequence change, c.3761A>G, in exon 30 that results in an amino acid change, p.Asn1254Ser. This sequence change does not appear to have been previously described in individuals with CACNA1D-related disorders. This sequence change has been described in the gnomAD database with a frequency of 0.05% in the overall population (dbSNP rs147146258). The p.Asn1254Ser change affects a highly conserved amino acid residue located in a domain of the CACNA1D protein that is known to be functional. In-silico pathogenicity prediction tools (SIFT, PolyPhen2, Align GVGD, REVEL) provide contradictory results for the p.Asn1254Ser substitution. Due to insufficient evidences and the lack of functional studies, the clinical significance of the p.Asn1254Ser change remains unknown at this time.

Centre de Biologie Pathologie Génétique, Centre Hospitalier Universitaire de Lille
Classification: Likely benign for Intellectual disability. Last evaluated: 2019-01-01. Review status: no assertion criteria provided. Collection method: clinical testing. Allele origin: inherited. Affected: yes. Not counted in ClinVar's aggregate classification.